The following is an entry in ClinVar:

NM_015295.3(SMCHD1):c.1913A>T (p.Asp638Val)

Gene: SMCHD1 (structural maintenance of chromosomes flexible hinge domain containing 1; plus strand). Cytogenetic location: 18p11.32.
Variant type: single nucleotide variant.
Coding change: c.1913A>T on transcript NM_015295.3 (MANE Select); coding-DNA position 1913, A replaced by T.
Protein change: p.Asp638Val; replaces aspartic acid 638 with valine.
Molecular consequence: missense variant.
Genome position (GRCh38, 1-based): chr18:2,705,764, A>T. VCF-style: chr18-2705764-A-T. GRCh37 (hg19) VCF-style: chr18-2705762-A-T.
Other names: short protein forms D638V.
Identifiers: ClinVar variation 1503997 (VCV001503997.8), dbSNP rs2143234295, ClinGen allele CA401679628.

ClinVar aggregate classification (germline): Uncertain significance (1 of 4 stars; one submission).

Conditions:
Facioscapulohumeral muscular dystrophy 2 (FSHD2). Also called: MUSCULAR DYSTROPHY, FACIOSCAPULOHUMERAL, TYPE 1B; FACIOSCAPULOHUMERAL MUSCULAR DYSTROPHY 2, DIGENIC; FSHD2, DIGENIC. Identifiers: Orphanet 269, MedGen C1834671, MONDO:0008031, OMIM 158901.

Submission:

Labcorp Genetics (formerly Invitae), Labcorp
Classification: Uncertain significance for Facioscapulohumeral muscular dystrophy 2. Last evaluated: 2021-07-07. Review status: criteria provided, single submitter. Criteria: Invitae Variant Classification Sherloc (09022015). Collection method: clinical testing. Allele origin: germline.
Comment: This variant has not been reported in the literature in individuals affected with SMCHD1-related conditions. This variant is not present in population databases (ExAC no frequency). This sequence change replaces aspartic acid with valine at codon 638 of the SMCHD1 protein (p.Asp638Val). The aspartic acid residue is highly conserved and there is a large physicochemical difference between aspartic acid and valine. In summary, the available evidence is currently insufficient to determine the role of this variant in disease. Therefore, it has been classified as a Variant of Uncertain Significance. Algorithms developed to predict the effect of missense changes on protein structure and function (SIFT, PolyPhen-2, Align-GVGD) all suggest that this variant is likely to be disruptive.